The following is an entry in ClinVar:

ClinVar aggregate classification (germline): Conflicting classifications of pathogenicity. Review status: criteria provided, conflicting classifications (1 of 4 stars). 3 submissions from 3 submitters: Uncertain significance (1); Likely benign (1). 1 of the submissions does not count toward it. Last evaluated 2023-12-13.

Conditions:
DACT1-related disorder. Also called: DACT1-related condition.

Allele frequency attached by ClinVar (database versions not stated): gnomAD exomes 0.00009; ExAC 0.00014; 1000 Genomes Project 0.00040; TOPMed 0.00056; gnomAD 0.00060 and 0.00066; 1000 Genomes Project 30x 0.00062.
gnomAD v4.1: 154 of 1,612,790 alleles (0.0095%); highest among the groups gnomAD compares: African/African-American, 0.2%; no homozygotes.

Submissions (3):

Ambry Genetics
Classification: Uncertain significance. Last evaluated: 2023-12-13. Review status: criteria provided, single submitter. Criteria: Ambry Variant Classification Scheme 2023. Collection method: clinical testing. Allele origin: germline.

Labcorp Genetics (formerly Invitae), Labcorp
Classification: Likely benign. Last evaluated: 2018-05-08. Review status: criteria provided, single submitter. Criteria: Invitae Variant Classification Sherloc (09022015). Collection method: clinical testing. Allele origin: germline.

PreventionGenetics, part of Exact Sciences
Classification: Likely benign for DACT1-related condition. Last evaluated: 2024-03-24. Review status: no assertion criteria provided. Collection method: clinical testing. Allele origin: germline. Not counted in ClinVar's aggregate classification.
Comment: This variant is classified as likely benign based on ACMG/AMP sequence variant interpretation guidelines (Richards et al. 2015 PMID: 25741868, with internal and published modifications).

NM_001079520.2(DACT1):c.1948T>C (p.Tyr650His)

Gene: DACT1 (dishevelled binding antagonist of beta catenin 1; plus strand). Cytogenetic location: 14q23.1.
Variant type: single nucleotide variant.
Coding change: c.1948T>C on transcript NM_001079520.2 (MANE Select); coding-DNA position 1948, T replaced by C.
Protein change: p.Tyr650His; replaces tyrosine 650 with histidine.
Molecular consequence: missense variant. On other transcripts: non-coding transcript variant (2).
Genome position (GRCh38, 1-based): chr14:58,646,682, T>C. VCF-style: chr14-58646682-T-C. GRCh37 (hg19) VCF-style: chr14-59113400-T-C.
Other names: c.2059T>C, p.Tyr687His (NM_016651.6); short protein forms Y650H, Y687H.
Identifiers: ClinVar variation 743594 (VCV000743594.5), dbSNP rs143444064, ClinGen allele CA7206946.